The following is an entry in ClinVar:

NM_001127208.3(TET2):c.3635T>C (p.Leu1212Ser)

Genes: TET2 (tet methylcytosine dioxygenase 2; plus strand), TET2-AS1 (TET2 antisense RNA 1; minus strand). Cytogenetic location: 4q24.
Variant type: single nucleotide variant.
Coding change: c.3635T>C on transcript NM_001127208.3 (MANE Select); coding-DNA position 3635, T replaced by C.
Protein change: p.Leu1212Ser; replaces leucine 1212 with serine.
Molecular consequence: missense variant.
Genome position (GRCh38, 1-based): chr4:105,243,610, T>C. VCF-style: chr4-105243610-T-C. GRCh37 (hg19) VCF-style: chr4-106164767-T-C.
Other names: short protein forms L1212S.
Identifiers: ClinVar variation 2796238 (VCV002796238.3), dbSNP rs1053335141, ClinGen allele CA102760664.

ClinVar aggregate classification (germline): Uncertain significance (1 of 4 stars; one submission).

Allele frequency attached by ClinVar (database versions not stated): gnomAD exomes below 0.00001; gnomAD 0.00001; 1000 Genomes Project 30x 0.00016.
gnomAD v4.1: 2 of 1,551,652 alleles (0.00013%); highest among the groups gnomAD compares: East Asian, 0.0024%; no homozygotes.

Submission:

Labcorp Genetics (formerly Invitae), Labcorp
Classification: Uncertain significance. Last evaluated: 2023-07-08. Review status: criteria provided, single submitter. Criteria: Invitae Variant Classification Sherloc (09022015). Collection method: clinical testing. Allele origin: germline.
Comment: This variant is present in population databases (no rsID available, gnomAD 0.01%). In summary, the available evidence is currently insufficient to determine the role of this variant in disease. Therefore, it has been classified as a Variant of Uncertain Significance. An algorithm developed to predict the effect of missense changes on protein structure and function (PolyPhen-2) suggests that this variant is likely to be disruptive. This variant has not been reported in the literature in individuals affected with TET2-related conditions. This sequence change replaces leucine, which is neutral and non-polar, with serine, which is neutral and polar, at codon 1212 of the TET2 protein (p.Leu1212Ser).